The following is an entry in ClinVar:

NM_144687.4(NLRP12):c.1425A>G (p.Leu475=)

Gene: NLRP12 (NLR family pyrin domain containing 12; minus strand). Cytogenetic location: 19q13.42.
Variant type: single nucleotide variant.
Coding change: c.1425A>G on transcript NM_144687.4 (MANE Select); coding-DNA position 1425, A replaced by G.
Protein change: p.Leu475=; no amino-acid change (leucine 475 retained).
Molecular consequence: synonymous variant.
Genome position (GRCh38, 1-based): chr19:53,810,234, T>C on the plus strand (A>G on the coding strand, the complement: NLRP12 is on the minus strand). VCF-style: chr19-53810234-T-C. GRCh37 (hg19) VCF-style: chr19-54313488-T-C.
Other names: c.1425A>G, p.Leu475= (NM_001277126.2, NM_001277129.1); c.1425A>G (NM_144687.3).
Identifiers: ClinVar variation 103260 (VCV000103260.12), dbSNP rs199475865, ClinGen allele CA230331.

ClinVar aggregate classification (germline): Likely benign. Review status: criteria provided, single submitter (1 of 4 stars). 3 submissions from 3 submitters: Likely benign (1). 2 of the submissions do not count toward it. Last evaluated 2025-12-17.

Conditions:
NLRP12-related disorder. Also called: NLRP12-related condition; NLRP12-related conditions.
Familial cold autoinflammatory syndrome 2 (FCAS2). Identifiers: Orphanet 247868, MedGen C2673198, MONDO:0012724, OMIM 611762.

Allele frequency attached by ClinVar (database versions not stated): gnomAD 0.00001 and 0.00002; TOPMed 0.00002; ExAC 0.00007.
gnomAD v4.1: 76 of 1,614,136 alleles (0.0047%); highest among the groups gnomAD compares: Admixed American, 0.04%; no homozygotes.

Submissions (3):

Labcorp Genetics (formerly Invitae), Labcorp
Classification: Likely benign for Familial cold autoinflammatory syndrome 2. Last evaluated: 2025-12-17. Review status: criteria provided, single submitter. Criteria: Invitae Variant Classification Sherloc (09022015). Collection method: clinical testing. Allele origin: germline.

PreventionGenetics, part of Exact Sciences
Classification: Likely benign for NLRP12-related condition. Last evaluated: 2019-06-17. Review status: no assertion criteria provided. Collection method: clinical testing. Allele origin: germline. Not counted in ClinVar's aggregate classification.
Comment: This variant is classified as likely benign based on ACMG/AMP sequence variant interpretation guidelines (Richards et al. 2015 PMID: 25741868, with internal and published modifications).

Human Evolutionary Genetics, Institut Pasteur
No classification provided. Review status: no classification provided. Collection method: not provided. Allele origin: germline. Not counted in ClinVar's aggregate classification.
ClinVar note: Converted during submission from untested to not provided.